The following is an entry in ClinVar:

NM_178138.6(LHX3):c.677A>G (p.Gln226Arg)

Gene: LHX3 (LIM homeobox 3; minus strand). Cytogenetic location: 9q34.3.
Variant type: single nucleotide variant.
Coding change: c.677A>G on transcript NM_178138.6 (MANE Select); coding-DNA position 677, A replaced by G.
Protein change: p.Gln226Arg; replaces glutamine 226 with arginine.
Molecular consequence: missense variant.
Genome position (GRCh38, 1-based): chr9:136,198,750, T>C on the plus strand (A>G on the coding strand, the complement: LHX3 is on the minus strand). VCF-style: chr9-136198750-T-C. GRCh37 (hg19) VCF-style: chr9-139090596-T-C.
Other names: c.644A>G, p.Gln215Arg (NM_001363746.1); c.692A>G, p.Gln231Arg (NM_014564.5); c.692A>G (NM_014564.3); short protein forms Q215R, Q226R, Q231R.
Identifiers: ClinVar variation 2059945 (VCV002059945.3), dbSNP rs769522651, ClinGen allele CA5330406.

ClinVar aggregate classification (germline): Uncertain significance. Review status: criteria provided, multiple submitters, no conflicts (2 of 4 stars). 2 submissions from 2 submitters: Uncertain significance (2). Last evaluated 2023-05-24.

Conditions:
Inborn genetic diseases. Identifiers: MedGen C0950123, MeSH D030342.

Allele frequency attached by ClinVar (database versions not stated): gnomAD exomes 0.00001; ExAC 0.00002; gnomAD 0.00003; TOPMed 0.00006.
gnomAD v4.1: 16 of 1,611,296 alleles (0.00099%); highest among the groups gnomAD compares: African/African-American, 0.02%; no homozygotes.

Submissions (2):

Ambry Genetics
Classification: Uncertain significance for Inborn genetic diseases. Last evaluated: 2023-05-24. Review status: criteria provided, single submitter. Criteria: Ambry Variant Classification Scheme 2023. Collection method: clinical testing. Allele origin: germline.

Labcorp Genetics (formerly Invitae), Labcorp
Classification: Uncertain significance. Last evaluated: 2022-05-17. Review status: criteria provided, single submitter. Criteria: Invitae Variant Classification Sherloc (09022015). Collection method: clinical testing. Allele origin: germline.
Comment: This sequence change replaces glutamine, which is neutral and polar, with arginine, which is basic and polar, at codon 231 of the LHX3 protein (p.Gln231Arg). This variant is present in population databases (rs769522651, gnomAD 0.02%). This variant has not been reported in the literature in individuals affected with LHX3-related conditions. Algorithms developed to predict the effect of missense changes on protein structure and function are either unavailable or do not agree on the potential impact of this missense change (SIFT: "Not Available"; PolyPhen-2: "Benign"; Align-GVGD: "Not Available"). In summary, the available evidence is currently insufficient to determine the role of this variant in disease. Therefore, it has been classified as a Variant of Uncertain Significance.